The following is an entry in ClinVar:

NM_177438.3(DICER1):c.2533T>C (p.Leu845=)

Gene: DICER1 (dicer 1, ribonuclease III; minus strand). Cytogenetic location: 14q32.13.
Variant type: single nucleotide variant.
Coding change: c.2533T>C on transcript NM_177438.3 (MANE Select); coding-DNA position 2533, T replaced by C.
Protein change: p.Leu845=; no amino-acid change (leucine 845 retained).
Molecular consequence: synonymous variant.
Genome position (GRCh38, 1-based): chr14:95,107,997, A>G on the plus strand (T>C on the coding strand, the complement: DICER1 is on the minus strand). VCF-style: chr14-95107997-A-G. GRCh37 (hg19) VCF-style: chr14-95574334-A-G.
Other names: c.2533T>C, p.Leu845= (NM_001195573.1, NM_001271282.3, NM_001291628.2 and 1 more transcripts).
Identifiers: ClinVar variation 477105 (VCV000477105.24), dbSNP rs1182299033, ClinGen allele CA487844845.

ClinVar aggregate classification (germline): Benign/Likely benign. Review status: criteria provided, multiple submitters, no conflicts (2 of 4 stars). 5 submissions from 5 submitters: Benign (1); Likely benign (4). Last evaluated 2026-04-16.

Conditions:
DICER1-related tumor predisposition. Also called: DICER1 syndrome; DICER1-related pleuropulmonary blastoma cancer predisposition syndrome. Identifiers: Orphanet 284343, MedGen C3839822, MONDO:0100216.
Hereditary cancer-predisposing syndrome. Also called: Hereditary neoplastic syndrome; Tumor predisposition; Neoplastic Syndromes, Hereditary; Hereditary Cancer Syndrome. Identifiers: Orphanet 140162, MedGen C0027672, MeSH D009386, MONDO:0015356.

Allele frequency attached by ClinVar (database versions not stated): gnomAD exomes 0.00001; TOPMed 0.00003.
gnomAD v4.1: 5 of 1,613,508 alleles (0.00031%); highest among the groups gnomAD compares: Middle Eastern, 0.033%; no homozygotes.

Submissions (5):

Myriad Genetics, Inc.
Classification: Benign for DICER1-related tumor predisposition. Last evaluated: 2026-04-16. Review status: criteria provided, single submitter. Criteria: Myriad Autosomal Dominant, Autosomal Recessive and X-Linked Classification Criteria (2023). Collection method: clinical testing. Allele origin: unknown.
Comment: This variant is considered benign. This variant is a silent/synonymous amino acid change and it is not expected to impact splicing.

CeGaT Center for Human Genetics Tuebingen
Classification: Likely benign. Last evaluated: 2025-08-01. Review status: criteria provided, single submitter. Criteria: CeGaT Center For Human Genetics Tuebingen Variant Classification Criteria Version 2. Collection method: clinical testing. Allele origin: germline. Affected: yes. Observed: 1 variant allele.
Comment: DICER1: BP4, BP7

Labcorp Genetics (formerly Invitae), Labcorp
Classification: Likely benign for DICER1-related tumor predisposition. Last evaluated: 2024-06-23. Review status: criteria provided, single submitter. Criteria: Invitae Variant Classification Sherloc (09022015). Collection method: clinical testing. Allele origin: germline.

Sema4
Classification: Likely benign for Hereditary cancer-predisposing syndrome. Last evaluated: 2021-08-23. Review status: criteria provided, single submitter. Criteria: Sema4 Curation Guidelines. Collection method: curation. Allele origin: germline.

Ambry Genetics
Classification: Likely benign for Hereditary cancer-predisposing syndrome. Last evaluated: 2017-05-16. Review status: criteria provided, single submitter. Criteria: Ambry Variant Classification Scheme 2023. Collection method: clinical testing. Allele origin: germline.